The following is an entry in ClinVar:

ClinVar aggregate classification (germline): Uncertain significance (1 of 4 stars; one submission).

Allele frequency attached by ClinVar (database versions not stated): gnomAD exomes below 0.00001; ExAC 0.00001.
gnomAD v4.1: 1 of 1,614,034 alleles (0.000062%); highest among the groups gnomAD compares: African/African-American, 0.0013%; no homozygotes.

Submission:

Labcorp Genetics (formerly Invitae), Labcorp
Classification: Uncertain significance. Last evaluated: 2022-03-06. Review status: criteria provided, single submitter. Criteria: Invitae Variant Classification Sherloc (09022015). Collection method: clinical testing. Allele origin: germline.
Comment: This sequence change replaces isoleucine, which is neutral and non-polar, with threonine, which is neutral and polar, at codon 289 of the MTTP protein (p.Ile289Thr). This variant is present in population databases (rs748843032, gnomAD 0.0009%). This variant has not been reported in the literature in individuals affected with MTTP-related conditions. Algorithms developed to predict the effect of missense changes on protein structure and function are either unavailable or do not agree on the potential impact of this missense change (SIFT: "Deleterious"; PolyPhen-2: "Benign"; Align-GVGD: "Class C25"). In summary, the available evidence is currently insufficient to determine the role of this variant in disease. Therefore, it has been classified as a Variant of Uncertain Significance.

NM_001386140.1(MTTP):c.866T>C (p.Ile289Thr)

Gene: MTTP (microsomal triglyceride transfer protein; plus strand). Cytogenetic location: 4q23.
Variant type: single nucleotide variant.
Coding change: c.866T>C on transcript NM_001386140.1 (MANE Select); coding-DNA position 866, T replaced by C.
Protein change: p.Ile289Thr; replaces isoleucine 289 with threonine.
Molecular consequence: missense variant.
Genome position (GRCh38, 1-based): chr4:99,594,840, T>C. VCF-style: chr4-99594840-T-C. GRCh37 (hg19) VCF-style: chr4-100515997-T-C.
Other names: c.866T>C, p.Ile289Thr (NM_000253.4); c.617T>C, p.Ile206Thr (NM_001300785.2); short protein forms I289T, I206T.
Identifiers: ClinVar variation 1986728 (VCV001986728.1), dbSNP rs748843032, ClinGen allele CA3021962.